The following is an entry in ClinVar:

NM_004281.4(BAG3):c.1325T>C (p.Phe442Ser)

Gene: BAG3 (BAG cochaperone 3; plus strand). Cytogenetic location: 10q26.11.
Variant type: single nucleotide variant.
Coding change: c.1325T>C on transcript NM_004281.4 (MANE Select); coding-DNA position 1325, T replaced by C.
Protein change: p.Phe442Ser; replaces phenylalanine 442 with serine.
Molecular consequence: missense variant.
Genome position (GRCh38, 1-based): chr10:119,676,879, T>C. VCF-style: chr10-119676879-T-C. GRCh37 (hg19) VCF-style: chr10-121436391-T-C.
Other names: short protein forms F442S.
Identifiers: ClinVar variation 4192153 (VCV004192153.1).

ClinVar aggregate classification (germline): Uncertain significance (1 of 4 stars; one submission).

Conditions:
Cardiovascular phenotype. Identifiers: MedGen CN230736.

Submission:

Ambry Genetics
Classification: Uncertain significance for Cardiovascular phenotype. Last evaluated: 2025-09-04. Review status: criteria provided, single submitter. Criteria: Ambry Variant Classification Scheme 2023. Collection method: clinical testing. Allele origin: germline.
Comment: The p.F442S variant (also known as c.1325T>C), located in coding exon 4 of the BAG3 gene, results from a T to C substitution at nucleotide position 1325. The phenylalanine at codon 442 is replaced by serine, an amino acid with highly dissimilar properties. This amino acid position is conserved. In addition, this alteration is predicted to be deleterious by in silico analysis. Based on the available evidence, the clinical significance of this variant remains unclear.